The following is an entry in ClinVar:

ClinVar aggregate classification (germline): Pathogenic (1 of 4 stars; one submission).

Conditions:
Fanconi anemia (FA). Also called: Fanconi's anemia. Identifiers: Orphanet 84, MedGen C0015625, MeSH D005199, MONDO:0019391.

Submission:

Labcorp Genetics (formerly Invitae), Labcorp
Classification: Pathogenic for Fanconi anemia. Last evaluated: 2024-04-17. Review status: criteria provided, single submitter. Criteria: Invitae Variant Classification Sherloc (09022015). Collection method: clinical testing. Allele origin: germline.
Comment: This sequence change creates a premature translational stop signal (p.His186Thrfs*6) in the FANCA gene. It is expected to result in an absent or disrupted protein product. Loss-of-function variants in FANCA are known to be pathogenic (PMID: 19367192). This variant is not present in population databases (gnomAD no frequency). This variant has not been reported in the literature in individuals affected with FANCA-related conditions. ClinVar contains an entry for this variant (Variation ID: 2020334). For these reasons, this variant has been classified as Pathogenic.

Literature cited by the submitters: PubMed 19367192.

NM_000135.4(FANCA):c.555del (p.His186fs)

Gene: FANCA (FA complementation group A; minus strand). Cytogenetic location: 16q24.3.
Variant type: Deletion.
Coding change: c.555del on transcript NM_000135.4 (MANE Select); coding-DNA position 555, one base deleted (T; older notation c.555delT).
Protein change: p.His186fs; shifts the reading frame from histidine 186.
Molecular consequence: frameshift variant.
Genome position (GRCh38, 1-based): chr16:89,808,335, A deleted on the plus strand (T on the coding strand, the reverse complement: FANCA is on the minus strand); the first of 2 consecutive A bases (chr16:89,808,335-89,808,336); deleting either gives the same sequence. VCF-style (leftmost placement, unchanged base first): chr16-89808334-GA-G. GRCh37 (hg19) VCF-style: chr16-89874742-GA-G.
Other names: c.555del, p.His186fs (NM_001018112.3, NM_001286167.3); c.459del, p.His154fs (NM_001351830.2); short protein forms H154fs, H186fs.
Identifiers: ClinVar variation 2020334 (VCV002020334.4), dbSNP rs2544348065, ClinGen allele CA2580092336.